The following is an entry in ClinVar:

ClinVar aggregate classification (germline): Uncertain significance (1 of 4 stars; one submission).

Submission:

Labcorp Genetics (formerly Invitae), Labcorp
Classification: Uncertain significance. Last evaluated: 2022-02-06. Review status: criteria provided, single submitter. Criteria: Invitae Variant Classification Sherloc (09022015). Collection method: clinical testing. Allele origin: germline.
Comment: In summary, the available evidence is currently insufficient to determine the role of this variant in disease. Therefore, it has been classified as a Variant of Uncertain Significance. Variants that disrupt the consensus splice site are a relatively common cause of aberrant splicing (PMID: 17576681, 9536098). Algorithms developed to predict the effect of sequence changes on RNA splicing suggest that this variant may disrupt the consensus splice site. This variant has not been reported in the literature in individuals affected with P3H2-related conditions. This variant is not present in population databases (gnomAD no frequency). This sequence change affects codon 396 of the P3H2 mRNA. It is a 'silent' change, meaning that it does not change the encoded amino acid sequence of the P3H2 protein. This variant also falls at the last nucleotide of exon 6, which is part of the consensus splice site for this exon.

Literature cited by the submitters: PubMed 17576681; PubMed 9536098.

NM_018192.4(P3H2):c.1188G>T (p.Pro396=)

Gene: P3H2 (prolyl 3-hydroxylase 2; minus strand). Cytogenetic location: 3q28.
Variant type: single nucleotide variant.
Coding change: c.1188G>T on transcript NM_018192.4 (MANE Select); coding-DNA position 1188, G replaced by T.
Protein change: p.Pro396=; no amino-acid change (proline 396 retained).
Molecular consequence: synonymous variant.
Genome position (GRCh38, 1-based): chr3:189,986,788, C>A on the plus strand (G>T on the coding strand, the complement: P3H2 is on the minus strand). VCF-style: chr3-189986788-C-A. GRCh37 (hg19) VCF-style: chr3-189704577-C-A.
Other names: c.645G>T, p.Pro215= (NM_001134418.2).
Identifiers: ClinVar variation 2094125 (VCV002094125.4), dbSNP rs749183285, ClinGen allele CA437417167.